The following is an entry in ClinVar:

ClinVar aggregate classification (germline): Uncertain significance (1 of 4 stars; one submission).

Conditions:
Hereditary cancer-predisposing syndrome. Also called: Hereditary neoplastic syndrome; Neoplastic Syndromes, Hereditary; Tumor predisposition; Hereditary Cancer Syndrome. Identifiers: Orphanet 140162, MedGen C0027672, MeSH D009386, MONDO:0015356.

Submission:

Ambry Genetics
Classification: Uncertain significance for Hereditary cancer-predisposing syndrome. Last evaluated: 2024-12-29. Review status: criteria provided, single submitter. Criteria: Ambry Variant Classification Scheme 2023. Collection method: clinical testing. Allele origin: germline.
Comment: The p.S1826T variant (also known as c.5476T>A), located in coding exon 24 of the DICER1 gene, results from a T to A substitution at nucleotide position 5476. The serine at codon 1826 is replaced by threonine, an amino acid with similar properties. This amino acid position is conserved. In addition, this alteration is predicted to be deleterious by in silico analysis. Based on the available evidence, the clinical significance of this variant remains unclear.

NM_177438.3(DICER1):c.5476T>A (p.Ser1826Thr)

Gene: DICER1 (dicer 1, ribonuclease III; minus strand). Cytogenetic location: 14q32.13.
Variant type: single nucleotide variant.
Coding change: c.5476T>A on transcript NM_177438.3 (MANE Select); coding-DNA position 5476, T replaced by A.
Protein change: p.Ser1826Thr; replaces serine 1826 with threonine.
Molecular consequence: missense variant. On other transcripts: non-coding transcript variant (6), intron variant (1).
Genome position (GRCh38, 1-based): chr14:95,091,254, A>T on the plus strand (T>A on the coding strand, the complement: DICER1 is on the minus strand). VCF-style: chr14-95091254-A-T. GRCh37 (hg19) VCF-style: chr14-95557591-A-T.
Other names: c.5476T>A, p.Ser1826Thr (NM_001271282.3, NM_001291628.2, NM_001395677.1 and 7 more transcripts); c.5194T>A, p.Ser1732Thr (NM_001395686.1); c.5071T>A, p.Ser1691Thr (NM_001395687.1, NM_001395688.1, NM_001395689.1 and 1 more transcripts); c.4909T>A, p.Ser1637Thr (NM_001395691.1); c.3793T>A, p.Ser1265Thr (NM_001395697.1); c.5365-145T>A (NM_001195573.1); short protein forms S1637T, S1826T, S1732T, S1265T, S1691T.
Identifiers: ClinVar variation 3839998 (VCV003839998.1).
Genomic context (GRCh38, chr14:95,091,254, plus strand): 5'-CAACAATACCTATTAGTGGCCGCATCATGGGATAGTACACCTGCCAGACTGTCTCCAGTG[A>T]CATCCCACTATCCATGTAAATGGCACCAGCAAGCGACTCAAAAATATCCCCCATGGCCTT-3'
Protein context (NP_803187.1, residues 1816-1836): AGAIYMDSGM[Ser1826Thr]LETVWQVYYP